The following is an entry in ClinVar:

ClinVar aggregate classification (germline): Uncertain significance. Review status: criteria provided, multiple submitters, no conflicts (2 of 4 stars). 2 submissions from 2 submitters: Uncertain significance (2). Last evaluated 2025-08-10.

Conditions:
Inborn genetic diseases. Identifiers: MedGen C0950123, MeSH D030342.
Hereditary spastic paraplegia 11. Also called: Nakamura Osame syndrome; Autosomal recessive hereditary spastic paraplegia, mental impairment, and thin corpus callosum; SPASTIC PARAPLEGIA, AUTOSOMAL RECESSIVE, COMPLICATED, WITH THIN CORPUS CALLOSUM; SPASTIC PARAPLEGIA, AUTOSOMAL RECESSIVE, WITH MENTAL IMPAIRMENT AND THIN CORPUS CALLOSUM; Spastic Paraplegia 11; Spastic paraplegia, mental retardation and thin corpus callosum. Identifiers: Orphanet 2822, MedGen C1858479, MONDO:0011445, OMIM 604360.

Allele frequency attached by ClinVar (database versions not stated): TOPMed below 0.00001; gnomAD 0.00001.
gnomAD v4.1: 1 of 1,614,130 alleles (0.000062%); highest among the groups gnomAD compares: Non-Finnish European, 0.000085%; no homozygotes.

Submissions (2):

Ambry Genetics
Classification: Uncertain significance for Inborn genetic diseases. Last evaluated: 2025-08-10. Review status: criteria provided, single submitter. Criteria: Ambry Variant Classification Scheme 2023. Collection method: clinical testing. Allele origin: germline.

Labcorp Genetics (formerly Invitae), Labcorp
Classification: Uncertain significance for Hereditary spastic paraplegia 11. Last evaluated: 2022-05-14. Review status: criteria provided, single submitter. Criteria: Invitae Variant Classification Sherloc (09022015). Collection method: clinical testing. Allele origin: germline.
Comment: In summary, the available evidence is currently insufficient to determine the role of this variant in disease. Therefore, it has been classified as a Variant of Uncertain Significance. Algorithms developed to predict the effect of missense changes on protein structure and function output the following: SIFT: "Tolerated"; PolyPhen-2: "Probably Damaging"; Align-GVGD: "Class C0". The arginine amino acid residue is found in multiple mammalian species, which suggests that this missense change does not adversely affect protein function. This variant has not been reported in the literature in individuals affected with SPG11-related conditions. This variant is not present in population databases (gnomAD no frequency). This sequence change replaces cysteine, which is neutral and slightly polar, with arginine, which is basic and polar, at codon 1866 of the SPG11 protein (p.Cys1866Arg).

NM_025137.4(SPG11):c.5596T>C (p.Cys1866Arg)

Gene: SPG11 (SPG11 vesicle trafficking associated, spatacsin; minus strand). Cytogenetic location: 15q21.1.
Variant type: single nucleotide variant.
Coding change: c.5596T>C on transcript NM_025137.4 (MANE Select); coding-DNA position 5596, T replaced by C.
Protein change: p.Cys1866Arg; replaces cysteine 1866 with arginine.
Molecular consequence: missense variant.
Genome position (GRCh38, 1-based): chr15:44,584,084, A>G on the plus strand (T>C on the coding strand, the complement: SPG11 is on the minus strand). VCF-style: chr15-44584084-A-G. GRCh37 (hg19) VCF-style: chr15-44876282-A-G.
Other names: c.5596T>C (NM_025137.3); c.5596T>C, p.Cys1866Arg (NM_001160227.2); c.5452T>C, p.Cys1818Arg (NM_001411132.1); short protein forms C1866R, C1818R.
Identifiers: ClinVar variation 2165130 (VCV002165130.3), dbSNP rs1362672034, ClinGen allele CA392221967.